The following is an entry in ClinVar:

ClinVar aggregate classification (germline): Benign. Review status: criteria provided, multiple submitters, no conflicts (2 of 4 stars). 3 submissions from 3 submitters: Benign (2). 1 of the submissions does not count toward it. Last evaluated 2019-12-31.

Allele frequency attached by ClinVar (database versions not stated): 1000 Genomes Project 0.00200; 1000 Genomes Project 30x 0.00219; TOPMed 0.00400; gnomAD 0.00423 and 0.00431; gnomAD exomes 0.00472 and 0.00501; ESP Exome Variant Server 0.00500; ExAC 0.00516.
gnomAD v4.1: 7,567 of 1,613,596 alleles (0.47%); highest among the groups gnomAD compares: Middle Eastern, 0.56%; 30 homozygotes.

Submissions (3):

Labcorp Genetics (formerly Invitae), Labcorp
Classification: Benign. Last evaluated: 2019-12-31. Review status: criteria provided, single submitter. Criteria: Invitae Variant Classification Sherloc (09022015). Collection method: clinical testing. Allele origin: germline.

Breakthrough Genomics
Classification: Benign. Review status: criteria provided, single submitter. Criteria: ACMG Guidelines, 2015. Collection method: not provided. Allele origin: germline. Inheritance: Autosomal dominant inheritance. Affected: yes.

ITMI
No classification provided. Condition: AllHighlyPenetrant. Last evaluated: 2013-09-19. Review status: no classification provided. Collection method: reference population. Allele origin: germline. Not counted in ClinVar's aggregate classification.
Comment: Please see associated publication for description of ethnicities

Literature cited by the submitters: PubMed 24728327 (cited by ITMI).

NM_004119.3(FLT3):c.580G>A (p.Val194Met)

Gene: FLT3 (fms related receptor tyrosine kinase 3; minus strand). Cytogenetic location: 13q12.2.
Variant type: single nucleotide variant.
Coding change: c.580G>A on transcript NM_004119.3 (MANE Select); coding-DNA position 580, G replaced by A.
Protein change: p.Val194Met; replaces valine 194 with methionine.
Molecular consequence: missense variant. On other transcripts: non-coding transcript variant (1).
Genome position (GRCh38, 1-based): chr13:28,052,579, C>T on the plus strand (G>A on the coding strand, the complement: FLT3 is on the minus strand). VCF-style: chr13-28052579-C-T. GRCh37 (hg19) VCF-style: chr13-28626716-C-T.
Other names: short protein forms V194M.
Identifiers: ClinVar variation 134446 (VCV000134446.6), dbSNP rs146030737, ClinGen allele CA159843.